The following is an entry in ClinVar:

NM_032608.7(MYO18B):c.5655G>A (p.Leu1885=)

Gene: MYO18B (myosin XVIIIB; plus strand). Cytogenetic location: 22q12.1.
Variant type: single nucleotide variant.
Coding change: c.5655G>A on transcript NM_032608.7 (MANE Select); coding-DNA position 5655, G replaced by A.
Protein change: p.Leu1885=; no amino-acid change (leucine 1885 retained).
Molecular consequence: synonymous variant.
Genome position (GRCh38, 1-based): chr22:25,947,735, G>A. VCF-style: chr22-25947735-G-A. GRCh37 (hg19) VCF-style: chr22-26343701-G-A.
Other names: c.5658G>A, p.Leu1886= (NM_001318245.2).
Identifiers: ClinVar variation 738209 (VCV000738209.10), dbSNP rs750812350, ClinGen allele CA10161238.

ClinVar aggregate classification (germline): Likely benign. Review status: criteria provided, multiple submitters, no conflicts (2 of 4 stars). 3 submissions from 3 submitters: Likely benign (3). Last evaluated 2026-05-27.

Conditions:
MYO18B-related disorder. Also called: MYO18B-related condition.

Allele frequency attached by ClinVar (database versions not stated): gnomAD 0.00005 and 0.00006; ExAC 0.00006; gnomAD exomes 0.00008; TOPMed 0.00010.
gnomAD v4.1: 38 of 1,613,506 alleles (0.0024%); highest among the groups gnomAD compares: East Asian, 0.022%; no homozygotes.

Submissions (3):

PreventionGenetics, part of Exact Sciences
Classification: Likely benign for MYO18B-related condition. Last evaluated: 2026-05-27. Review status: criteria provided, single submitter. Criteria: ACMG Guidelines, 2015. Collection method: clinical testing. Allele origin: germline.
Comment: This variant is classified as likely benign based on ACMG/AMP sequence variant interpretation guidelines (Richards et al. 2015 PMID: 25741868, with internal and published modifications).

Labcorp Genetics (formerly Invitae), Labcorp
Classification: Likely benign. Last evaluated: 2025-06-11. Review status: criteria provided, single submitter. Criteria: Invitae Variant Classification Sherloc (09022015). Collection method: clinical testing. Allele origin: germline.

Blueprint Genetics
Classification: Likely benign. Last evaluated: 2024-05-09. Review status: criteria provided, single submitter. Criteria: ACMG Guidelines, 2015. Collection method: clinical testing. Allele origin: germline.